The following is an entry in ClinVar:

ClinVar aggregate classification (germline): Uncertain significance. Review status: criteria provided, multiple submitters, no conflicts (2 of 4 stars). 2 submissions from 2 submitters: Uncertain significance (2). Last evaluated 2025-11-27.

Conditions:
Inborn genetic diseases. Identifiers: MedGen C0950123, MeSH D030342.

Submissions (2):

Labcorp Genetics (formerly Invitae), Labcorp
Classification: Uncertain significance. Last evaluated: 2025-11-27. Review status: criteria provided, single submitter. Criteria: Invitae Variant Classification Sherloc (09022015). Collection method: clinical testing. Allele origin: germline.
Comment: This sequence change replaces lysine, which is basic and polar, with glutamic acid, which is acidic and polar, at codon 315 of the NSD1 protein (p.Lys315Glu). This variant is not present in population databases (gnomAD no frequency). This variant has not been reported in the literature in individuals affected with NSD1-related conditions. ClinVar contains an entry for this variant (Variation ID: 4122978). Invitae Evidence Modeling of protein sequence and biophysical properties (such as structural, functional, and spatial information, amino acid conservation, physicochemical variation, residue mobility, and thermodynamic stability) indicates that this missense variant is expected to disrupt NSD1 protein function with a positive predictive value of 95%. In summary, the available evidence is currently insufficient to determine the role of this variant in disease. Therefore, it has been classified as a Variant of Uncertain Significance.

Ambry Genetics
Classification: Uncertain significance for Inborn genetic diseases. Last evaluated: 2025-07-16. Review status: criteria provided, single submitter. Criteria: Ambry Variant Classification Scheme 2023. Collection method: clinical testing. Allele origin: germline.

NM_022455.5(NSD1):c.943A>G (p.Lys315Glu)

Gene: NSD1 (nuclear receptor binding SET domain protein 1; plus strand). Cytogenetic location: 5q35.3.
Variant type: single nucleotide variant.
Coding change: c.943A>G on transcript NM_022455.5 (MANE Select); coding-DNA position 943, A replaced by G.
Protein change: p.Lys315Glu; replaces lysine 315 with glutamic acid.
Molecular consequence: missense variant.
Genome position (GRCh38, 1-based): chr5:177,191,899, A>G. VCF-style: chr5-177191899-A-G. GRCh37 (hg19) VCF-style: chr5-176618900-A-G.
Other names: c.70A>G, p.Lys24Glu (NM_001365684.2, NM_001409305.1, NM_001409306.1 and 4 more transcripts); c.943A>G, p.Lys315Glu (NM_001409301.1, NM_001409302.1, NM_001409303.1); c.523A>G, p.Lys175Glu (NM_001409304.1); short protein forms K315E, K175E, K24E.
Identifiers: ClinVar variation 4122978 (VCV004122978.2).